The following is an entry in ClinVar:

NM_003000.3(SDHB):c.36del (p.Leu13fs)

Gene: SDHB (succinate dehydrogenase complex iron sulfur subunit B; minus strand). Cytogenetic location: 1p36.13.
Variant type: Deletion.
Coding change: c.36del on transcript NM_003000.3 (MANE Select); coding-DNA position 36, one base deleted (G; older notation c.36delG).
Protein change: p.Leu13fs; shifts the reading frame from leucine 13.
Molecular consequence: frameshift variant.
Genome position (GRCh38, 1-based): chr1:17,053,984, C deleted on the plus strand (G on the coding strand, the reverse complement: SDHB is on the minus strand); the first of 2 consecutive C bases (chr1:17,053,984-17,053,985); deleting either gives the same sequence. VCF-style (leftmost placement, unchanged base first): chr1-17053983-AC-A. GRCh37 (hg19) VCF-style: chr1-17380478-AC-A.
Other names: c.36del, p.Leu13fs (NM_001407361.1); short protein forms L13fs.
Identifiers: ClinVar variation 3763410 (VCV003763410.2).

ClinVar aggregate classification (germline): Pathogenic (1 of 4 stars; one submission).

Conditions:
Pheochromocytoma. Also called: MAX-Related Hereditary Paraganglioma-Pheochromocytoma Syndrome. Identifiers: Orphanet 29072, MedGen C0031511, MONDO:0008233, OMIM 171300, HP:0002666.
Pheochromocytoma/paraganglioma syndrome 4. Also called: CAROTID BODY TUMORS AND MULTIPLE EXTRAADRENAL PHEOCHROMOCYTOMAS; PARAGANGLIOMA, FAMILIAL MALIGNANT; PARAGANGLIOMAS, HEREDITARY EXTRAADRENAL; PHEOCHROMOCYTOMA, FAMILIAL EXTRAADRENAL; Paragangliomas 4; SDHB-Related Hereditary Paraganglioma-Pheochromocytoma Syndrome (Paragangliomas 4). Identifiers: Orphanet 29072, MedGen C1861848, MONDO:0007273, OMIM 115310.
Gastrointestinal stromal tumor. Also called: Gastrointestinal stromal tumor, somatic; Gastrointestinal stroma tumor. Identifiers: Orphanet 44890, MedGen C0238198, MeSH D046152, MONDO:0011719, OMIM 606764, HP:0100723.

Submission:

Labcorp Genetics (formerly Invitae), Labcorp
Classification: Pathogenic for Gastrointestinal stromal tumor; Pheochromocytoma/paraganglioma syndrome 4; Pheochromocytoma. Last evaluated: 2024-06-03. Review status: criteria provided, single submitter. Criteria: Invitae Variant Classification Sherloc (09022015). Collection method: clinical testing. Allele origin: germline.
Comment: This sequence change creates a premature translational stop signal (p.Leu13Cysfs*64) in the SDHB gene. It is expected to result in an absent or disrupted protein product. Loss-of-function variants in SDHB are known to be pathogenic (PMID: 19454582, 19802898). This variant is not present in population databases (gnomAD no frequency). This premature translational stop signal has been observed in individual(s) with SDHB-related conditions (PMID: 31492822). For these reasons, this variant has been classified as Pathogenic.

Literature cited by the submitters: PubMed 19454582; PubMed 19802898; PubMed 31492822.